The following is an entry in ClinVar:

NM_015629.4(PRPF31):c.1193del (p.His398fs)

Gene: PRPF31 (pre-mRNA processing factor 31; plus strand). Cytogenetic location: 19q13.42.
Variant type: Deletion.
Coding change: c.1193del on transcript NM_015629.4 (MANE Select); coding-DNA position 1193, one base deleted (A; older notation c.1193delA).
Protein change: p.His398fs; shifts the reading frame from histidine 398.
Molecular consequence: frameshift variant.
Genome position (GRCh38, 1-based): chr19:54,129,103, A deleted. VCF-style (leftmost placement, unchanged base first): chr19-54129102-CA-C. GRCh37 (hg19) VCF-style: chr19-54632477-CA-C.
Other names: short protein forms H398fs.
Identifiers: ClinVar variation 1388203 (VCV001388203.6), dbSNP rs2146449983, ClinGen allele CA2573156669.

ClinVar aggregate classification (germline): Pathogenic (1 of 4 stars; one submission).

Submission:

Labcorp Genetics (formerly Invitae), Labcorp
Classification: Pathogenic. Last evaluated: 2021-03-12. Review status: criteria provided, single submitter. Criteria: Invitae Variant Classification Sherloc (09022015). Collection method: clinical testing. Allele origin: germline.
Comment: This variant has not been reported in the literature in individuals with PRPF31-related conditions. For these reasons, this variant has been classified as Pathogenic. This variant is not present in population databases (ExAC no frequency). This sequence change creates a premature translational stop signal (p.His398Profs*15) in the PRPF31 gene. It is expected to result in an absent or disrupted protein product. Loss-of-function variants in PRPF31 are known to be pathogenic (PMID: 18317597, 23950152).

Literature cited by the submitters: PubMed 18317597; PubMed 23950152.